The following is an entry in ClinVar:

ClinVar aggregate classification (germline): Uncertain significance. Review status: criteria provided, multiple submitters, no conflicts (2 of 4 stars). 2 submissions from 2 submitters: Uncertain significance (2). Last evaluated 2024-06-24.

Conditions:
RASopathy. Also called: Noonan spectrum disorder; rasopathies. Identifiers: Orphanet 536391, MedGen C5555857, MONDO:0021060.

Submissions (2):

Women's Health and Genetics/Laboratory Corporation of America, LabCorp
Classification: Uncertain significance. Last evaluated: 2024-06-24. Review status: criteria provided, single submitter. Criteria: LabCorp Variant Classification Summary - May 2015. Collection method: clinical testing. Allele origin: germline.
Comment: Variant summary: MAP2K2 c.528G>C (p.Ala176Ala) alters a non-conserved nucleotide located close to a canonical splice site and therefore could affect mRNA splicing, leading to a significantly altered protein sequence. Several computational tools predict a significant impact on normal splicing: Three predict the variant weakens a 5' donor site. One predict the variant no significant impact on splicing. However, these predictions have yet to be confirmed by functional studies. The variant was absent in 223560 control chromosomes. The available data on variant occurrences in the general population are insufficient to allow any conclusion about variant significance. To our knowledge, no occurrence of c.528G>C in individuals affected with Cardiofaciocutaneous Syndrome and no experimental evidence demonstrating its impact on protein function have been reported. ClinVar contains an entry for this variant (Variation ID: 2896001). Based on the evidence outlined above, the variant was classified as uncertain significance.

Labcorp Genetics (formerly Invitae), Labcorp
Classification: Uncertain significance for RASopathy. Last evaluated: 2023-10-15. Review status: criteria provided, single submitter. Criteria: Invitae Variant Classification Sherloc (09022015). Collection method: clinical testing. Allele origin: germline.
Comment: This sequence change affects codon 176 of the MAP2K2 mRNA. It is a 'silent' change, meaning that it does not change the encoded amino acid sequence of the MAP2K2 protein. This variant also falls at the last nucleotide of exon 4, which is part of the consensus splice site for this exon. This variant is not present in population databases (gnomAD no frequency). This variant has not been reported in the literature in individuals affected with MAP2K2-related conditions. Variants that disrupt the consensus splice site are a relatively common cause of aberrant splicing (PMID: 17576681, 9536098). Algorithms developed to predict the effect of sequence changes on RNA splicing suggest that this variant is not likely to affect RNA splicing. In summary, the available evidence is currently insufficient to determine the role of this variant in disease. Therefore, it has been classified as a Variant of Uncertain Significance.

Literature cited by the submitters: PubMed 17576681 (cited by Labcorp Genetics (formerly Invitae), Labcorp); PubMed 9536098 (cited by Labcorp Genetics (formerly Invitae), Labcorp).

NM_030662.4(MAP2K2):c.528G>C (p.Ala176=)

Gene: MAP2K2 (mitogen-activated protein kinase kinase 2; minus strand). Cytogenetic location: 19p13.3.
Variant type: single nucleotide variant.
Coding change: c.528G>C on transcript NM_030662.4 (MANE Select); coding-DNA position 528, G replaced by C.
Protein change: p.Ala176=; no amino-acid change (alanine 176 retained).
Molecular consequence: synonymous variant.
Genome position (GRCh38, 1-based): chr19:4,102,376, C>G on the plus strand (G>C on the coding strand, the complement: MAP2K2 is on the minus strand). VCF-style: chr19-4102376-C-G. GRCh37 (hg19) VCF-style: chr19-4102374-C-G.
Identifiers: ClinVar variation 2896001 (VCV002896001.4), dbSNP rs767939999, ClinGen allele CA504987278.